The following is an entry in ClinVar:

NM_006306.4(SMC1A):c.3592G>C (p.Glu1198Gln)

Gene: SMC1A (structural maintenance of chromosomes 1A; minus strand). Cytogenetic location: Xp11.22.
Variant type: single nucleotide variant.
Coding change: c.3592G>C on transcript NM_006306.4 (MANE Select); coding-DNA position 3592, G replaced by C.
Protein change: p.Glu1198Gln; replaces glutamic acid 1198 with glutamine.
Molecular consequence: missense variant.
Genome position (GRCh38, 1-based): chrX:53,380,646, C>G on the plus strand (G>C on the coding strand, the complement: SMC1A is on the minus strand). VCF-style: chrX-53380646-C-G. GRCh37 (hg19) VCF-style: chrX-53407567-C-G.
Other names: c.3526G>C, p.Glu1176Gln (NM_001281463.1); short protein forms E1176Q, E1198Q.
Identifiers: ClinVar variation 463885 (VCV000463885.8), dbSNP rs782175064, ClinGen allele CA413241898.
Genomic context (GRCh38, chrX:53,380,646, plus strand): 5'-AGTAGGACTGGCTCCTGAGCCAGGCCCGCCCTACCTCAGGATAGACTCCAATGAGGCTCT[C>G]GGCCTTGGTGTAGAACTCCTCCTTGAGAGAGATGACGATGGCCTGGAAGTTGCAAGTCGA-3'
Protein context (NP_006297.2, residues 1188-1208): SLKEEFYTKA[Glu1198Gln]SLIGVYPEQG

ClinVar aggregate classification (germline): Uncertain significance (1 of 4 stars; one submission).

Conditions:
Congenital muscular hypertrophy-cerebral syndrome (CDLS2). Also called: Cornelia de Lange syndrome 2; SMC1A-Related Cornelia de Lange Syndrome. Identifiers: Orphanet 199, MedGen C1802395, MONDO:0010370, OMIM 300590.

Submission:

Labcorp Genetics (formerly Invitae), Labcorp
Classification: Uncertain significance for Congenital muscular hypertrophy-cerebral syndrome. Last evaluated: 2022-02-04. Review status: criteria provided, single submitter. Criteria: Invitae Variant Classification Sherloc (09022015). Collection method: clinical testing. Allele origin: germline.
Comment: This sequence change replaces glutamic acid, which is acidic and polar, with glutamine, which is neutral and polar, at codon 1198 of the SMC1A protein (p.Glu1198Gln). This variant is not present in population databases (gnomAD no frequency). This variant has not been reported in the literature in individuals affected with SMC1A-related conditions. ClinVar contains an entry for this variant (Variation ID: 463885). Advanced modeling of protein sequence and biophysical properties (such as structural, functional, and spatial information, amino acid conservation, physicochemical variation, residue mobility, and thermodynamic stability) performed at Invitae indicates that this missense variant is not expected to disrupt SMC1A protein function. In summary, the available evidence is currently insufficient to determine the role of this variant in disease. Therefore, it has been classified as a Variant of Uncertain Significance.